The following is an entry in ClinVar:

ClinVar aggregate classification (germline): Uncertain significance (1 of 4 stars; one submission).

Conditions:
Growth delay due to insulin-like growth factor I resistance. Also called: Somatomedin end-organ insensitivity to; Somatomedin-c resistance to; IGF-1 resistance; IGF-I RESISTANCE; Insulin-Like Growth Factor I Resistance. Identifiers: Orphanet 73273, MedGen C1849157, MONDO:0010038, OMIM 270450.

gnomAD v4.1: 1 of 1,614,184 alleles (0.000062%); no homozygotes.

Submission:

Laboratorio de Genetica e Diagnostico Molecular, Hospital Israelita Albert Einstein
Classification: Uncertain significance for Growth delay due to insulin-like growth factor I resistance. Last evaluated: 2024-07-23. Review status: criteria provided, single submitter. Criteria: ACMG Guidelines, 2015. Collection method: clinical testing. Allele origin: germline. Affected: yes.
Comment: ACMG classification criteria: PM2 supporting, PP2 supporting, PP3 supporting

NM_000875.5(IGF1R):c.3103G>A (p.Val1035Met)

Gene: IGF1R (insulin like growth factor 1 receptor; plus strand). Cytogenetic location: 15q26.3.
Variant type: single nucleotide variant.
Coding change: c.3103G>A on transcript NM_000875.5 (MANE Select); coding-DNA position 3103, G replaced by A.
Protein change: p.Val1035Met; replaces valine 1035 with methionine.
Molecular consequence: missense variant.
Genome position (GRCh38, 1-based): chr15:98,934,970, G>A. VCF-style: chr15-98934970-G-A. GRCh37 (hg19) VCF-style: chr15-99478199-G-A.
Other names: c.3100G>A, p.Val1034Met (NM_001291858.2); short protein forms V1034M, V1035M.
Identifiers: ClinVar variation 4056789 (VCV004056789.1).